The following is an entry in ClinVar:

ClinVar aggregate classification (germline): Pathogenic (1 of 4 stars; one submission).

Submission:

Labcorp Genetics (formerly Invitae), Labcorp
Classification: Pathogenic. Last evaluated: 2023-04-06. Review status: criteria provided, single submitter. Criteria: Invitae Variant Classification Sherloc (09022015). Collection method: clinical testing. Allele origin: germline.
Comment: For these reasons, this variant has been classified as Pathogenic. Algorithms developed to predict the effect of sequence changes on RNA splicing suggest that this variant may disrupt the consensus splice site. Disruption of this splice site has been observed in individual(s) with oculocutaneous albinism (PMID: 29345414). In at least one individual the data is consistent with being in trans (on the opposite chromosome) from a pathogenic variant. This variant is not present in population databases (gnomAD no frequency). This sequence change affects a donor splice site in intron 22 of the OCA2 gene. It is expected to disrupt RNA splicing. Variants that disrupt the donor or acceptor splice site typically lead to a loss of protein function (PMID: 16199547), and loss-of-function variants in OCA2 are known to be pathogenic (PMID: 19865097, 21541274).

Literature cited by the submitters: PubMed 29345414; PubMed 16199547; PubMed 19865097; PubMed 21541274.

NM_000275.3(OCA2):c.2338+1G>A

Gene: OCA2 (OCA2 melanosomal transmembrane protein; minus strand). Cytogenetic location: 15q13.1.
Variant type: single nucleotide variant.
Coding change: c.2338+1G>A on transcript NM_000275.3 (MANE Select); the canonical splice donor site of the intron after coding-DNA position 2338, G replaced by A.
Molecular consequence: splice donor variant.
Genome position (GRCh38, 1-based): chr15:27,851,381, C>T on the plus strand (G>A on the coding strand, the complement: OCA2 is on the minus strand). VCF-style: chr15-27851381-C-T. GRCh37 (hg19) VCF-style: chr15-28096527-C-T.
Other names: c.2266+1G>A (NM_001300984.2).
Identifiers: ClinVar variation 2852449 (VCV002852449.3), dbSNP rs770635415, ClinGen allele CA391359799.